The following is an entry in ClinVar:

ClinVar aggregate classification (germline): Likely benign. Review status: criteria provided, multiple submitters, no conflicts (2 of 4 stars). 2 submissions from 2 submitters: Likely benign (2). Last evaluated 2025-09-01.

Allele frequency attached by ClinVar (database versions not stated): gnomAD exomes below 0.00001; TOPMed below 0.00001.
gnomAD v4.1: 3 of 1,614,190 alleles (0.00019%); highest among the groups gnomAD compares: Non-Finnish European, 0.00017%; no homozygotes.

Submissions (2):

CeGaT Center for Human Genetics Tuebingen
Classification: Likely benign. Last evaluated: 2025-09-01. Review status: criteria provided, single submitter. Criteria: CeGaT Center For Human Genetics Tuebingen Variant Classification Criteria Version 2. Collection method: clinical testing. Allele origin: germline. Affected: yes. Observed: 2 variant alleles.
Comment: SNAP29: BP4, BP7

Labcorp Genetics (formerly Invitae), Labcorp
Classification: Likely benign. Last evaluated: 2023-10-10. Review status: criteria provided, single submitter. Criteria: Invitae Variant Classification Sherloc (09022015). Collection method: clinical testing. Allele origin: germline.

NM_004782.4(SNAP29):c.399A>G (p.Glu133=)

Gene: SNAP29 (synaptosome associated protein 29; plus strand). Cytogenetic location: 22q11.21.
Variant type: single nucleotide variant.
Coding change: c.399A>G on transcript NM_004782.4 (MANE Select); coding-DNA position 399, A replaced by G.
Protein change: p.Glu133=; no amino-acid change (glutamic acid 133 retained).
Molecular consequence: synonymous variant.
Genome position (GRCh38, 1-based): chr22:20,870,498, A>G. VCF-style: chr22-20870498-A-G. GRCh37 (hg19) VCF-style: chr22-21224786-A-G.
Identifiers: ClinVar variation 1984254 (VCV001984254.31), dbSNP rs1343262495, ClinGen allele CA513461778.